The following is an entry in ClinVar:

NM_020442.6(VARS2):c.2589G>C (p.Glu863Asp)

Gene: VARS2 (valyl-tRNA synthetase 2, mitochondrial; plus strand). Cytogenetic location: 6p21.33.
Variant type: single nucleotide variant.
Coding change: c.2589G>C on transcript NM_020442.6 (MANE Select); coding-DNA position 2589, G replaced by C.
Protein change: p.Glu863Asp; replaces glutamic acid 863 with aspartic acid.
Molecular consequence: missense variant.
Genome position (GRCh38, 1-based): chr6:30,924,476, G>C. VCF-style: chr6-30924476-G-C. GRCh37 (hg19) VCF-style: chr6-30892253-G-C.
Other names: c.2169G>C, p.Glu723Asp (NM_001167733.3); c.2679G>C, p.Glu893Asp (NM_001167734.2); short protein forms E723D, E863D, E893D.
Identifiers: ClinVar variation 1208429 (VCV001208429.17), dbSNP rs143473050, ClinGen allele CA3706312.

ClinVar aggregate classification (germline): Conflicting classifications of pathogenicity. Review status: criteria provided, conflicting classifications (1 of 4 stars). 3 submissions from 3 submitters: Uncertain significance (2); Likely benign (1). Last evaluated 2026-09-25.

Conditions:
Combined oxidative phosphorylation defect type 20. Also called: Combined oxidative phosphorylation deficiency 20. Identifiers: Orphanet 420728, MedGen C4014660, MONDO:0014397, OMIM 615917.

Allele frequency attached by ClinVar (database versions not stated): 1000 Genomes Project 0.00040; gnomAD 0.00078 and 0.00086; TOPMed 0.00105; gnomAD exomes 0.00021 and 0.00008; ExAC 0.00027; ESP Exome Variant Server 0.00130; 1000 Genomes Project 30x 0.00078.
gnomAD v4.1: 253 of 1,611,496 alleles (0.016%); highest among the groups gnomAD compares: African/African-American, 0.27%; no homozygotes.

Submissions (3):

GeneDx
Classification: Uncertain significance. Last evaluated: 2026-09-25. Review status: criteria provided, single submitter. Criteria: GeneDx Variant Classification Process June 2021. Collection method: clinical testing. Allele origin: germline.
Comment: Has not been previously published as pathogenic or benign to our knowledge; In silico analysis supports that this missense variant has a deleterious effect on protein structure/function

Labcorp Genetics (formerly Invitae), Labcorp
Classification: Likely benign. Last evaluated: 2025-09-16. Review status: criteria provided, single submitter. Criteria: Invitae Variant Classification Sherloc (09022015). Collection method: clinical testing. Allele origin: germline.

Laboratorio de Genetica e Diagnostico Molecular, Hospital Israelita Albert Einstein
Classification: Uncertain significance for Combined oxidative phosphorylation defect type 20. Last evaluated: 2021-03-24. Review status: criteria provided, single submitter. Criteria: ACMG Guidelines, 2015. Collection method: clinical testing. Allele origin: germline. Affected: yes.
Comment: ACMG classification criteria: BP4 supporting